The following is an entry in ClinVar:

ClinVar aggregate classification (germline): Benign/Likely benign. Review status: criteria provided, multiple submitters, no conflicts (2 of 4 stars). 2 submissions from 2 submitters: Benign (1); Likely benign (1). Last evaluated 2022-05-01.

Allele frequency attached by ClinVar (database versions not stated): 1000 Genomes Project 0.00060; 1000 Genomes Project 30x 0.00062; gnomAD exomes 0.00117 and 0.00234; gnomAD 0.00157 and 0.00149; ESP Exome Variant Server 0.00192; TOPMed 0.00125; ExAC 0.00129.
gnomAD v4.1: 3,616 of 1,614,238 alleles (0.22%); highest among the groups gnomAD compares: Non-Finnish European, 0.28%; 5 homozygotes.

Submissions (2):

CeGaT Center for Human Genetics Tuebingen
Classification: Likely benign. Last evaluated: 2022-05-01. Review status: criteria provided, single submitter. Criteria: CeGaT Center For Human Genetics Tuebingen Variant Classification Criteria Version 2. Collection method: clinical testing. Allele origin: germline. Affected: yes. Observed: 2 variant alleles.
Comment: IL1B: BP4, BP7

Labcorp Genetics (formerly Invitae), Labcorp
Classification: Benign. Last evaluated: 2018-07-11. Review status: criteria provided, single submitter. Criteria: Invitae Variant Classification Sherloc (09022015). Collection method: clinical testing. Allele origin: germline.

NM_000576.3(IL1B):c.171C>T (p.Tyr57=)

Gene: IL1B (interleukin 1 beta; minus strand). Cytogenetic location: 2q14.1.
Variant type: single nucleotide variant.
Coding change: c.171C>T on transcript NM_000576.3 (MANE Select); coding-DNA position 171, C replaced by T.
Protein change: p.Tyr57=; no amino-acid change (tyrosine 57 retained).
Molecular consequence: synonymous variant.
Genome position (GRCh38, 1-based): chr2:112,833,504, G>A on the plus strand (C>T on the coding strand, the complement: IL1B is on the minus strand). VCF-style: chr2-112833504-G-A. GRCh37 (hg19) VCF-style: chr2-113591081-G-A.
Identifiers: ClinVar variation 779077 (VCV000779077.34), dbSNP rs16062, ClinGen allele CA1837355.
Genomic context (GRCh38, chr2:112,833,504, plus strand): 5'-CATCTTCCTCAGCTTGTCCATGGCCACAACAACTGACGCGGCCTGCCTGAAGCCCTTGCT[G>A]TAGTGGTGGTCGGAGATTCGTAGCTGGATGCCGCCATCCAGAGGGCAGAGGTCCAGGTCC-3'
Protein context (NP_000567.1, residues 47-67): GIQLRISDHH[Tyr57=]SKGFRQAASV